The following is an entry in ClinVar:

NM_004385.5(VCAN):c.5505G>T (p.Gln1835His)

Genes: VCAN (versican; plus strand), VCAN-AS1 (VCAN antisense RNA 1; minus strand). Cytogenetic location: 5q14.3.
Variant type: single nucleotide variant.
Coding change: c.5505G>T on transcript NM_004385.5 (MANE Select); coding-DNA position 5505, G replaced by T.
Protein change: p.Gln1835His; replaces glutamine 1835 with histidine.
Molecular consequence: missense variant. On other transcripts: intron variant (2).
Genome position (GRCh38, 1-based): chr5:83,538,508, G>T. VCF-style: chr5-83538508-G-T. GRCh37 (hg19) VCF-style: chr5-82834327-G-T.
Other names: c.2544G>T, p.Gln848His (NM_001164097.2); c.4004-7029G>T (NM_001164098.2); c.1043-7029G>T (NM_001126336.3); short protein forms Q1835H, Q848H.
Identifiers: ClinVar variation 2121412 (VCV002121412.4), dbSNP rs1247428193, ClinGen allele CA360310555.

ClinVar aggregate classification (germline): Uncertain significance (1 of 4 stars; one submission).

gnomAD v4.1: 2 of 1,613,944 alleles (0.00012%); highest among the groups gnomAD compares: Non-Finnish European, 0.00017%; no homozygotes.

Submission:

Labcorp Genetics (formerly Invitae), Labcorp
Classification: Uncertain significance. Last evaluated: 2025-10-22. Review status: criteria provided, single submitter. Criteria: Invitae Variant Classification Sherloc (09022015). Collection method: clinical testing. Allele origin: germline.
Comment: This sequence change replaces glutamine, which is neutral and polar, with histidine, which is basic and polar, at codon 1835 of the VCAN protein (p.Gln1835His). This variant is present in population databases (no rsID available, gnomAD 0.0009%). This variant has not been reported in the literature in individuals affected with VCAN-related conditions. ClinVar contains an entry for this variant (Variation ID: 2121412). An algorithm developed to predict the effect of missense changes on protein structure and function outputs the following: PolyPhen-2: "Benign". The histidine amino acid residue is found in multiple mammalian species, which suggests that this missense change does not adversely affect protein function. In summary, the available evidence is currently insufficient to determine the role of this variant in disease. Therefore, it has been classified as a Variant of Uncertain Significance.